The following is an entry in ClinVar:

NM_001034853.2(RPGR):c.619+2T>A

Gene: RPGR (retinitis pigmentosa GTPase regulator; minus strand). Cytogenetic location: Xp11.4.
Variant type: single nucleotide variant.
Coding change: c.619+2T>A on transcript NM_001034853.2 (MANE Select); the canonical splice donor site of the intron after coding-DNA position 619, T replaced by A.
Molecular consequence: splice donor variant.
Genome position (GRCh38, 1-based): chrX:38,317,314, A>T on the plus strand (T>A on the coding strand, the complement: RPGR is on the minus strand). VCF-style: chrX-38317314-A-T. GRCh37 (hg19) VCF-style: chrX-38176567-A-T.
Other names: NC_000023.10:g.38176567A>T; c.616+2T>A (NM_001367249.1); c.619+2T>A (NM_001367250.1, NM_001367245.1, NM_001367251.1 and 3 more transcripts); c.649+2T>A (NM_001367248.1).
Identifiers: ClinVar variation 975129 (VCV000975129.4), dbSNP rs2067844613, ClinGen allele CA412744364.
Genomic context (GRCh38, chrX:38,317,314, plus strand): 5'-TTATTAATTTAATAACAACATAGAAGTGGGAGATAACATGATGACTTCAAAATGTGTCTT[A>T]CTTGTTACAAAAGCTGAATGGTAATATCCACAAGAGATCCAGGAGACAGGTTTCCCAATG-3'

ClinVar aggregate classification (germline): Pathogenic. Review status: reviewed by expert panel (3 of 4 stars). 2 submissions from 2 submitters: Pathogenic (1). 1 of the submissions does not count toward it. Last evaluated 2025-09-07.

Conditions:
RPGR-related disorder. Also called: RPGR-related condition.
RPGR-related retinopathy. Also called: RPGR retinopathy. Identifiers: MedGen CN305589, MONDO:0100437.

Submissions (3):

ClinGen X-linked Inherited Retinal Disease Variant Curation Expert Panel, ClinGen
Classification: Pathogenic for RPGR-related retinopathy. Last evaluated: 2025-09-07. Review status: reviewed by expert panel. Criteria: ClinGen X LinkedIRD ACMG Specifications RPGR V1.0.0. Collection method: curation. Allele origin: germline. Inheritance: X-linked inheritance.
Comment: NM_001034853.2(RPGR):c.619+2T>A is a canonical splice site variant in intron 6 and is predicted to induce skipping of exon 6, which is expected to disrupt a critical functional domain in RPGR (PVS1). This variant is absent from gnomAD v4.1.0 (PM2_Supporting). Cells transected with the variant intron showed no mCherry signal relative to the wild-type intron control, indicating severely defective splicing.(PMID: 36276946), however, PS3_Supporting was not met as PVS1 has already been applied. At least one proband harboring this variant exhibits a phenotype including early onset (1 pt), night blindness (0.5 pts), reduced visual acuity (0.5 pts), mid-periphery pigment deposits (0.5 pts), and genotyping by next-generation sequencing with a panel of genes that did not identify an alternative basis for retinal disease (2 pts), which together are specific for RPGR-related retinopathy (4.5 points, PP4). In summary, this variant is classified as pathogenic for RPGR-related retinopathy based on the ClinGen X-linked Inherited Retinal Disease Expert Panel Specifications to the ACMG/AMP Variant Interpretation Guidelines for RPGR Version 1.0.0; PVS1, PM2_supporting, and PP4.

Blueprint Genetics
Classification: Likely pathogenic for RPGR-related disorders. Last evaluated: 2019-08-19. Review status: criteria provided, single submitter. Criteria: ACMG Guidelines, 2015. Collection method: clinical testing. Allele origin: germline. Affected: yes. Observed: 1 variant allele. Not counted in ClinVar's aggregate classification.

Dr. Peter K. Rogan Lab, Western University
No classification provided (evidence only). Condition: Nonpapillary renal cell carcinoma. Review status: no classification provided. Collection method: in vitro. Allele origin: not applicable. Functional consequence: retained intron. Not counted in ClinVar's aggregate classification.